The following is an entry in ClinVar:

ClinVar aggregate classification (germline): Pathogenic (1 of 4 stars; one submission).

Conditions:
Epilepsy, familial focal, with variable foci 3 (FFEVF3). Identifiers: MedGen C4310708, MONDO:0014925, OMIM 617118.

Submission:

Labcorp Genetics (formerly Invitae), Labcorp
Classification: Pathogenic for Epilepsy, familial focal, with variable foci 3. Last evaluated: 2025-06-09. Review status: criteria provided, single submitter. Criteria: Invitae Variant Classification Sherloc (09022015). Collection method: clinical testing. Allele origin: germline.
Comment: This sequence change creates a premature translational stop signal (p.Ser223Glyfs*4) in the NPRL3 gene. It is expected to result in an absent or disrupted protein product. Loss-of-function variants in NPRL3 are known to be pathogenic (PMID: 26285051, 26505888). This variant is not present in population databases (gnomAD no frequency). This variant has not been reported in the literature in individuals affected with NPRL3-related conditions. ClinVar contains an entry for this variant (Variation ID: 2828940). For these reasons, this variant has been classified as Pathogenic.

Literature cited by the submitters: PubMed 26285051; PubMed 26505888.

NM_001077350.3(NPRL3):c.667_670del (p.Ser223fs)

Genes: HBA-LCR (alpha-globin locus control region; plus strand), NPRL3 (NPR3 like, GATOR1 complex subunit; minus strand). Cytogenetic location: 16p13.3.
Variant type: Deletion.
Coding change: c.667_670del on transcript NM_001077350.3 (MANE Select); coding-DNA positions 667 to 670, 4 bases deleted (AGCT; older notation c.667_670delAGCT).
Protein change: p.Ser223fs; shifts the reading frame from serine 223.
Molecular consequence: frameshift variant.
Genome position (GRCh38, 1-based): chr16:100,469-100,472, AGCT deleted on the plus strand (AGCT on the coding strand, the reverse complement: NPRL3 is on the minus strand). VCF-style (leftmost placement, unchanged base first): chr16-100468-CAGCT-C. GRCh37 (hg19) VCF-style: chr16-150466-CAGCT-C.
Other names: c.592_595del, p.Ser198fs (NM_001243249.2, NM_001243248.2); c.130_133del, p.Ser44fs (NM_001039476.3); c.433_436del, p.Ser145fs (NM_001243247.2); short protein forms S198fs, S223fs, S44fs, S145fs.
Identifiers: ClinVar variation 2828940 (VCV002828940.3), dbSNP rs2542832520, ClinGen allele CA2739269810.
Genomic context (GRCh38, chr16:100,468, plus strand): 5'-GGGATCAGACTGGAGGCCGCATAGTGGATCTTGTGGGGCAGGCAGAAGCTCACCTCCAGC[CAGCT>C]GTTGATGTGAAGCCGAACTACGCCCGACGTGCACAGGCTGCAGAGAGTGGGCGCTGTTAC-3'